The following is an entry in ClinVar:

NM_001367233.3(HEPH):c.3441G>T (p.Leu1147=)

Gene: HEPH (hephaestin; plus strand). Cytogenetic location: Xq12.
Variant type: single nucleotide variant.
Coding change: c.3441G>T on transcript NM_001367233.3 (MANE Select); coding-DNA position 3441, G replaced by T.
Protein change: p.Leu1147=; no amino-acid change (leucine 1147 retained).
Molecular consequence: synonymous variant. On other transcripts: non-coding transcript variant (3).
Genome position (GRCh38, 1-based): chrX:66,266,636, G>T. VCF-style: chrX-66266636-G-T. GRCh37 (hg19) VCF-style: chrX-65486478-G-T.
Other names: c.3438G>T, p.Leu1146= (NM_001130860.6); c.2865G>T, p.Leu955= (NM_001282141.3); c.3441G>T, p.Leu1147= (NM_001367232.3, NM_001367234.3, NM_138737.6); c.3435G>T, p.Leu1145= (NM_001367236.3); c.3228G>T, p.Leu1076= (NM_001367238.3); c.3225G>T, p.Leu1075= (NM_001367239.3); c.3108G>T, p.Leu1036= (NM_001367240.3); c.3105G>T, p.Leu1035= (NM_001367241.3); and 2 more.
Identifiers: ClinVar variation 2660766 (VCV002660766.24), dbSNP rs1303401034, ClinGen allele CA516938917.

ClinVar aggregate classification (germline): Likely benign (1 of 4 stars; one submission).

Submission:

CeGaT Center for Human Genetics Tuebingen
Classification: Likely benign. Last evaluated: 2023-03-01. Review status: criteria provided, single submitter. Criteria: CeGaT Center For Human Genetics Tuebingen Variant Classification Criteria Version 2. Collection method: clinical testing. Allele origin: germline. Affected: yes. Observed: 1 variant allele.
Comment: HEPH: PM2:Supporting, BP4, BP7